The following is an entry in ClinVar:

NM_024120.5(NDUFAF5):c.222+9GCGGGGCG[6]

Gene: NDUFAF5 (NADH:ubiquinone oxidoreductase complex assembly factor 5; plus strand). Cytogenetic location: 20p12.1.
Variant type: Microsatellite.
Coding change: c.222+9GCGGGGCG[6] on transcript NM_024120.5 (MANE Select); six copies in a row of the 8-base unit GCGGGGCG starting at c.222+9.
Molecular consequence: intron variant.
Genome position: GRCh38 VCF-style: chr20-13785298-C-CGCGGGGCGGCGGGGCGGCGGGGCG. GRCh37 (hg19) VCF-style: chr20-13765944-C-CGCGGGGCGGCGGGGCGGCGGGGCG.
Other names: p.?; c.-474+9GCGGGGCG[6] (NM_001352407.2); c.-360+9GCGGGGCG[6] (NM_001352406.2); c.222+9GCGGGGCG[6] (NM_001039375.3, NM_001352408.2); c.-146+9GCGGGGCG[6] (NM_001352403.2); c.222+10_222+33dup (NM_024120.5).
Identifiers: ClinVar variation 728279 (VCV000728279.12), dbSNP rs749228752, ClinGen allele CA634802176.
Genomic context (GRCh38, chr20:13,785,298, plus strand): 5'-ACTGGGCAGCCCGGCAGCCCGAGCCGACCAAATTTGACTACCTGAAGGAGGAGGTGAGCC[C>CGCGGGGCGGCGGGGCGGCGGGGCG]GCGGGGCGGCGGGGCGGCGGGGCGGGCGACGCGGAGGCTTGTTTTCCTCTCCGCTAGTTC-3'

ClinVar aggregate classification (germline): Likely benign. Review status: criteria provided, multiple submitters, no conflicts (2 of 4 stars). 3 submissions from 3 submitters: Likely benign (3). Last evaluated 2026-01-28.

Submissions (3):

Labcorp Genetics (formerly Invitae), Labcorp
Classification: Likely benign. Last evaluated: 2026-01-28. Review status: criteria provided, single submitter. Criteria: Invitae Variant Classification Sherloc (09022015). Collection method: clinical testing. Allele origin: germline.

Mayo Clinic Laboratories, Mayo Clinic
Classification: Likely benign. Last evaluated: 2025-08-26. Review status: criteria provided, single submitter. Criteria: ACMG Guidelines, 2015. Collection method: clinical testing. Allele origin: germline. Observed: 2 variant alleles.
Comment: BP7

Blueprint Genetics
Classification: Likely benign. Last evaluated: 2024-09-17. Review status: criteria provided, single submitter. Criteria: ACMG Guidelines, 2015. Collection method: clinical testing. Allele origin: germline.